The following is an entry in ClinVar:

ClinVar aggregate classification (germline): Uncertain significance (1 of 4 stars; one submission).

Conditions:
Cardiovascular phenotype. Identifiers: MedGen CN230736.

Submission:

Ambry Genetics
Classification: Uncertain significance for Cardiovascular phenotype. Last evaluated: 2026-06-18. Review status: criteria provided, single submitter. Criteria: Ambry Variant Classification Scheme 2023. Collection method: clinical testing. Allele origin: germline.
Comment: The p.I2528F variant (also known as c.7582A>T), located in coding exon 26 of the APOB gene, results from an A to T substitution at nucleotide position 7582. The isoleucine at codon 2528 is replaced by phenylalanine, an amino acid with highly similar properties. This amino acid position is conserved. In addition, this alteration is predicted to be tolerated by in silico analysis. Based on the available evidence, the clinical significance of this variant remains unclear.

NM_000384.3(APOB):c.7582A>T (p.Ile2528Phe)

Gene: APOB (apolipoprotein B; minus strand). Cytogenetic location: 2p24.1.
Variant type: single nucleotide variant.
Coding change: c.7582A>T on transcript NM_000384.3 (MANE Select); coding-DNA position 7582, A replaced by T.
Protein change: p.Ile2528Phe; replaces isoleucine 2528 with phenylalanine.
Molecular consequence: missense variant.
Genome position (GRCh38, 1-based): chr2:21,009,286, T>A on the plus strand (A>T on the coding strand, the complement: APOB is on the minus strand). VCF-style: chr2-21009286-T-A. GRCh37 (hg19) VCF-style: chr2-21232158-T-A.
Other names: short protein forms I2528F.
Identifiers: ClinVar variation 5026889 (VCV005026889.1).